The following is an entry in ClinVar:

NM_021971.4(GMPPB):c.860G>A (p.Arg287Gln)

Gene: GMPPB (GDP-mannose pyrophosphorylase B; minus strand). Cytogenetic location: 3p21.31.
Variant type: single nucleotide variant.
Coding change: c.860G>A on transcript NM_021971.4 (MANE Select); coding-DNA position 860, G replaced by A.
Protein change: p.Arg287Gln; replaces arginine 287 with glutamine.
Molecular consequence: missense variant.
Genome position (GRCh38, 1-based): chr3:49,722,056, C>T on the plus strand (G>A on the coding strand, the complement: GMPPB is on the minus strand). VCF-style: chr3-49722056-C-T. GRCh37 (hg19) VCF-style: chr3-49759489-C-T.
Other names: NM_021971.4(GMPPB):c.860G>A; c.860G>A, p.Arg287Gln (NM_013334.4); short protein forms R287Q.
Identifiers: ClinVar variation 60545 (VCV000060545.102), dbSNP rs202160208, ClinGen allele CA090892.

ClinVar aggregate classification (germline): Pathogenic/Likely pathogenic. Review status: criteria provided, multiple submitters, no conflicts (2 of 4 stars). 25 submissions from 25 submitters: Pathogenic (21); Likely pathogenic (1). 3 of the submissions do not count toward it. Last evaluated 2026-08-06.

Conditions:
Muscular dystrophy-dystroglycanopathy. Also called: Congenital muscular dystrophy due to dystroglycanopathy. Identifiers: Orphanet 370953, MedGen C5679911, MONDO:0018276.
Inborn genetic diseases. Identifiers: MedGen C0950123, MeSH D030342.
GMPPB-related disorder. Also called: GMPPB-related disorders; GMPPB-related condition.
Autosomal recessive limb-girdle muscular dystrophy type 2T. Also called: MUSCULAR DYSTROPHY, LIMB-GIRDLE, TYPE 2T; Muscular dystrophy-dystroglycanopathy (limb-girdle), type c, 14; Limb-girdle muscular dystrophy-dystroglycanopathy, type C14; MUSCULAR DYSTROPHY-DYSTROGLYCANOPATHY, LIMB-GIRDLE, GMPPB-RELATED. Identifiers: Orphanet 363623, MedGen C4518000, MONDO:0014142, OMIM 615352.
Muscular dystrophy-dystroglycanopathy (congenital with brain and eye anomalies), type A14. Also called: Muscular dystrophy-dystroglycanopathy (congenital with brain and eye anomalies), type a, 14; Congenital Muscular Dystrophy-Dystroglycanopathy with Brain and Eye Anomalies Type A 14; Congenital muscular dystrophy-dystroglycanopathy with brain and eye anomalies, type A14; WALKER-WARBURG SYNDROME OR MUSCLE-EYE-BRAIN DISEASE, GMPPB-RELATED. Identifiers: Orphanet 588, MedGen C3809216, MONDO:0014140, OMIM 615350.
Muscular dystrophy-dystroglycanopathy (congenital with impaired intellectual development), type B, 14. Also called: Muscular dystrophy-dystroglycanopathy (congenital with intellectual disability), type B14; Congenital muscular dystrophy-dystroglycanopathy with mental retardation, type B14; MUSCULAR DYSTROPHY, CONGENITAL, GMPPB-RELATED. Identifiers: MedGen C3809221, MONDO:0014141, OMIM 615351.
Abnormality of the musculature. Identifiers: MedGen C4021745, HP:0003011.

Allele frequency attached by ClinVar (database versions not stated): gnomAD exomes 0.00017 and 0.00029; gnomAD 0.00018 and 0.00019; ExAC 0.00022; TOPMed 0.00023; ESP Exome Variant Server 0.00015.

Submissions 1 to 8 of 25:

OLLIN Analises Genomicas, OLLIN
Classification: Pathogenic for Muscular dystrophy-dystroglycanopathy (congenital with impaired intellectual development), type B, 14. Last evaluated: 2026-08-06. Review status: criteria provided, single submitter. Criteria: ACMG Guidelines 2015 PMID 25741868. Collection method: clinical testing. Allele origin: germline. Inheritance: Autosomal recessive inheritance.
Comment: This missense variant, located in exon 8 (of 9), has been reported in ClinVar (accession VCV000060545.99), in gnomAD with an allele frequency of 0.018%, and in the scientific literature, segregating with the phenotype and in compound heterozygosity, in individuals with GMPPB related disorders (PMID: 26133662, 30257713, 24780531, 28877744, 29437916, 26310427). In silico analysis is inconclusive regarding the impact of this variant; however, functional studies suggest that it affects protein function (PMID: 26133662). Another pathogenic variant affecting the same amino acid residue has been reported. According to the currently available evidence, this variant has been classified as pathogenic (PS3_P, PS4, PM2_P, PM3_VS, PM5, PP1, BP4).

Broad Center for Mendelian Genomics, Broad Institute of MIT and Harvard
Classification: Pathogenic for Muscular dystrophy-dystroglycanopathy. Last evaluated: 2026-03-05. Review status: criteria provided, single submitter. Criteria: ACMG Guidelines, 2015. Collection method: research. Allele origin: germline. Inheritance: Autosomal recessive inheritance. Study: GREGoR Consortium.
Comment: The p.Arg287Gln variant in GMPPB has been reported in the compound heterozygous state in at least 8 individuals with limb-girdle muscular dystrophy, and segregated with disease in 1 family (Carss 2013 PMID: 23768512, Cabrera-Serrano 2015 PMID: 25681410, Jensen 2015 PMID: 26310427, Raphael 2014 PMID: 24780531). It has also been identified in0.4% (44/10356) of Ashkenazi Jewish chromosomes by gnomAD. However, this frequency is low enough to be consistent with a recessive allele frequency. This variant has also been reported in ClinVar (Variation ID 60545). Computational prediction tools and conservation analyses do not provide strong support for or against an impact to the protein. In vitro functional studies provide some evidence that this variant impacts protein function (Carss 2013 PMID: 23768512); however, these types of assays may not accurately represent biological function. In summary, this variant meets criteria to be classified as pathogenic for autosomal recessive limb-girdle muscular dystrophy. ACMG/AMP Criteria applied: PM3_very-strong, PP1, PS3_supporting.

GeneDx
Classification: Pathogenic. Last evaluated: 2025-12-12. Review status: criteria provided, single submitter. Criteria: GeneDx Variant Classification Process June 2021. Collection method: clinical testing. Allele origin: germline. Affected: yes.
Comment: Published functional studies demonstrate a damaging effect, as C2C12 myoblast cell lines transfected with R287Q showed abnormal subcellular localization of GMPPB resulting in cytoplasmic protein aggregates (PMID: 23768512); In silico analysis suggests that this missense variant does not alter protein structure/function; This variant is associated with the following publications: (PMID: 34758253, 24780531, 23768512, 28456886, 28433477, 27766311, 28478914, 27874200, 30684953, 34426522, 35006422, 31980526, 26133662, 28554332, 34008892, 28877744, 26310427, 25681410, 38374194, 37853563, 38544359, 41312578)

3billion
Classification: Pathogenic for Autosomal recessive limb-girdle muscular dystrophy type 2T. Last evaluated: 2025-08-26. Review status: criteria provided, single submitter. Criteria: ACMG Guidelines, 2015. Collection method: clinical testing. Allele origin: germline. Affected: yes.
Comment: The variant is observed at an extremely low frequency in the gnomAD v4.1.0 dataset (total allele frequency: 0.018%). Predicted Consequence/Location: Missense variant Functional studies provide strong evidence of the variant having a damaging effect on the gene or gene product (PMID: 23768512). In silico tool predictions suggest damaging effect of the variant on gene or gene product [3Cnet: 0.76 (> 0.75, sensitivity 0.96 and precision 0.92)]. The same nucleotide change resulting in the same amino acid change has been previously reported as pathogenic/likely pathogenic with strong evidence (ClinVar ID: VCV000060545 /PMID: 23768512 /3billion dataset). Different missense changes at the same codon (p.Arg287Leu, p.Arg287Trp) have been reported as pathogenic/likely pathogenic with strong evidence (ClinVar ID: VCV000225925 /PMID: 26133662, 33200426). Therefore, this variant is classified as Pathogenic according to the recommendation of ACMG/AMP guideline.

Labcorp Genetics (formerly Invitae), Labcorp
Classification: Pathogenic for Autosomal recessive limb-girdle muscular dystrophy type 2T; Muscular dystrophy-dystroglycanopathy (congenital with brain and eye anomalies), type A14; Muscular dystrophy-dystroglycanopathy (congenital with impaired intellectual development), type B, 14. Last evaluated: 2025-08-13. Review status: criteria provided, single submitter. Criteria: Invitae Variant Classification Sherloc (09022015). Collection method: clinical testing. Allele origin: germline.
Comment: This sequence change replaces arginine, which is basic and polar, with glutamine, which is neutral and polar, at codon 287 of the GMPPB protein (p.Arg287Gln). This variant is present in population databases (rs202160208, gnomAD 0.5%). This missense change has been observed in individual(s) with congenital muscular dystrophy-dystroglycanopathy and congenital myasthenic syndrome (PMID: 24780531, 26133662). It has also been observed to segregate with disease in related individuals. ClinVar contains an entry for this variant (Variation ID: 60545). Invitae Evidence Modeling of protein sequence and biophysical properties (such as structural, functional, and spatial information, amino acid conservation, physicochemical variation, residue mobility, and thermodynamic stability) indicates that this missense variant is not expected to disrupt GMPPB protein function with a negative predictive value of 80%. Experimental studies have shown that this missense change affects GMPPB function (PMID: 23768512). This variant disrupts the p.Arg287 amino acid residue in GMPPB. Other variant(s) that disrupt this residue have been determined to be pathogenic (PMID: 27766311, 27874200, 28478914). This suggests that this residue is clinically significant, and that variants that disrupt this residue are likely to be disease-causing. For these reasons, this variant has been classified as Pathogenic.

PreventionGenetics, part of Exact Sciences
Classification: Pathogenic for GMPPB-related condition. Last evaluated: 2025-02-22. Review status: criteria provided, single submitter. Criteria: ACMG Guidelines, 2015. Collection method: clinical testing. Allele origin: germline.
Comment: The GMPPB c.860G>A variant is predicted to result in the amino acid substitution p.Arg287Gln. This variant has been reported in the compound heterozygous state in many unrelated individuals with GMPBB-related disorders (see for examples, Carss et al. 2013. PubMed ID: 23768512; Belaya et al. 2015. PubMed ID: 26133662; Jensen et al. 2015. PubMed ID: 26310427). This variant is reported in 0.42% of alleles in individuals of Ashkenazi Jewish descent in gnomAD. Given the evidence, we interpret c.860G>A (p.Arg287Gln) as pathogenic.

Blueprint Genetics
Classification: Pathogenic for GMPPB-related disorders. Last evaluated: 2024-10-01. Review status: criteria provided, single submitter. Criteria: ACMG Guidelines, 2015. Collection method: clinical testing. Allele origin: germline. Affected: yes. Observed: 5 variant alleles.

Institute of Human Genetics, University of Leipzig Medical Center
Classification: Pathogenic for Muscular dystrophy-dystroglycanopathy (congenital with brain and eye anomalies), type A14. Last evaluated: 2023-10-20. Review status: criteria provided, single submitter. Criteria: ACMG Guidelines, 2015. Collection method: clinical testing. Allele origin: maternal. Inheritance: Autosomal recessive inheritance. Affected: yes.
Comment: Criteria applied: PM3_VSTR,PM5,PS3_SUP,PM2_SUP; Identified as compund heterozygous with NM_021971.4:c.79G>C